The following is an entry in ClinVar:

NM_001367873.1(SOX6):c.1218A>G (p.Glu406=)

Gene: SOX6 (SRY-box transcription factor 6; minus strand). Cytogenetic location: 11p15.2.
Variant type: single nucleotide variant.
Coding change: c.1218A>G on transcript NM_001367873.1 (MANE Select); coding-DNA position 1218, A replaced by G.
Protein change: p.Glu406=; no amino-acid change (glutamic acid 406 retained).
Molecular consequence: synonymous variant.
Genome position (GRCh38, 1-based): chr11:16,055,785, T>C on the plus strand (A>G on the coding strand, the complement: SOX6 is on the minus strand). VCF-style: chr11-16055785-T-C. GRCh37 (hg19) VCF-style: chr11-16077331-T-C.
Other names: c.1095A>G, p.Glu365= (NM_001145811.2, NM_001367872.1, NM_017508.3); c.1218A>G, p.Glu406= (NM_001145819.2, NM_033326.3); c.1257A>G (NM_001145819.1).
Identifiers: ClinVar variation 1593752 (VCV001593752.40), dbSNP rs146022326, ClinGen allele CA5898197.

ClinVar aggregate classification (germline): Benign/Likely benign. Review status: criteria provided, multiple submitters, no conflicts (2 of 4 stars). 4 submissions from 4 submitters: Benign (2); Likely benign (1). 1 of the submissions does not count toward it. Last evaluated 2026-06-01.

Conditions:
SOX6-related disorder. Also called: SOX6-related condition.

Allele frequency attached by ClinVar (database versions not stated): ESP Exome Variant Server 0.00154; 1000 Genomes Project 30x 0.00156; 1000 Genomes Project 0.00160; TOPMed 0.00170; ExAC 0.00218; gnomAD exomes 0.00224.
gnomAD v4.1: 3,897 of 1,613,738 alleles (0.24%); highest among the groups gnomAD compares: Admixed American, 0.28%; 5 homozygotes.

Submissions (4):

CeGaT Center for Human Genetics Tuebingen
Classification: Likely benign. Last evaluated: 2026-06-01. Review status: criteria provided, single submitter. Criteria: CeGaT Center For Human Genetics Tuebingen Variant Classification Criteria Version 2. Collection method: clinical testing. Allele origin: germline. Affected: yes. Observed: 9 variant alleles.
Comment: SOX6: BP4, BS1

Labcorp Genetics (formerly Invitae), Labcorp
Classification: Benign. Last evaluated: 2025-12-31. Review status: criteria provided, single submitter. Criteria: Invitae Variant Classification Sherloc (09022015). Collection method: clinical testing. Allele origin: germline.

Breakthrough Genomics
Classification: Benign. Review status: criteria provided, single submitter. Criteria: ACMG Guidelines, 2015. Collection method: not provided. Allele origin: germline. Inheritance: Autosomal dominant inheritance. Affected: yes.

PreventionGenetics, part of Exact Sciences
Classification: Likely benign for SOX6-related condition. Last evaluated: 2019-03-08. Review status: no assertion criteria provided. Collection method: clinical testing. Allele origin: germline. Not counted in ClinVar's aggregate classification.
Comment: This variant is classified as likely benign based on ACMG/AMP sequence variant interpretation guidelines (Richards et al. 2015 PMID: 25741868, with internal and published modifications).